The following is an entry in ClinVar:

ClinVar aggregate classification (germline): Likely benign (1 of 4 stars; one submission).

Allele frequency attached by ClinVar (database versions not stated): gnomAD 0.00003; TOPMed 0.00014; ExAC 0.00020.
gnomAD v4.1: 93 of 1,610,554 alleles (0.0058%); highest among the groups gnomAD compares: East Asian, 0.092%; no homozygotes.

Submission:

CeGaT Center for Human Genetics Tuebingen
Classification: Likely benign. Last evaluated: 2022-09-01. Review status: criteria provided, single submitter. Criteria: CeGaT Center For Human Genetics Tuebingen Variant Classification Criteria Version 2. Collection method: clinical testing. Allele origin: germline. Affected: yes. Observed: 1 variant allele.
Comment: HOXC12: BP4, BP7

NM_173860.3(HOXC12):c.198G>A (p.Gln66=)

Gene: HOXC12 (homeobox C12; plus strand). Cytogenetic location: 12q13.13.
Variant type: single nucleotide variant.
Coding change: c.198G>A on transcript NM_173860.3 (MANE Select); coding-DNA position 198, G replaced by A.
Protein change: p.Gln66=; no amino-acid change (glutamine 66 retained).
Molecular consequence: synonymous variant.
Genome position (GRCh38, 1-based): chr12:53,955,127, G>A. VCF-style: chr12-53955127-G-A. GRCh37 (hg19) VCF-style: chr12-54348911-G-A.
Identifiers: ClinVar variation 2643049 (VCV002643049.24), dbSNP rs747595266, ClinGen allele CA6604002.